The following is an entry in ClinVar:

ClinVar aggregate classification (germline): Likely pathogenic (1 of 4 stars; one submission).

Conditions:
TTN-related disorder. Also called: TTN-related condition; TTN-related disease; TTN-related disorders.

Submission:

Laboratorio de Genetica e Diagnostico Molecular, Hospital Israelita Albert Einstein
Classification: Likely pathogenic for TTN-related disease. Last evaluated: 2022-09-23. Review status: criteria provided, single submitter. Criteria: ACMG Guidelines, 2015. Collection method: clinical testing. Allele origin: germline.
Comment: ACMG classification criteria: PVS1 very strong, PM2 moderated

NM_001267550.2(TTN):c.79673del (p.Glu26558fs)

Genes: TTN (titin; minus strand), TTN-AS1 (TTN antisense RNA 1; plus strand). Cytogenetic location: 2q31.2.
Variant type: Deletion.
Coding change: c.79673del on transcript NM_001267550.2 (MANE Select); coding-DNA position 79673, one base deleted (A; older notation c.79673delA).
Protein change: p.Glu26558fs; shifts the reading frame from glutamic acid 26558.
Molecular consequence: frameshift variant.
Genome position (GRCh38, 1-based): chr2:178,566,459, T deleted on the plus strand (A on the coding strand, the reverse complement: TTN is on the minus strand). VCF-style (leftmost placement, unchanged base first): chr2-178566458-CT-C. GRCh37 (hg19) VCF-style: chr2-179431185-CT-C.
Other names: c.74750del, p.Glu24917fs (NM_001256850.1); c.52478del, p.Glu17493fs (NM_003319.4); c.71969del, p.Glu23990fs (NM_133378.4); c.52853del, p.Glu17618fs (NM_133432.3); c.53054del, p.Glu17685fs (NM_133437.4); short protein forms E17493fs, E17618fs, E17685fs, E23990fs, E24917fs, E26558fs.
Identifiers: ClinVar variation 2431482 (VCV002431482.2), dbSNP rs2468286272, ClinGen allele CA2580064590.